The following is an entry in ClinVar:

NM_201596.3(CACNB2):c.1017C>A (p.His339Gln)

Gene: CACNB2 (calcium voltage-gated channel auxiliary subunit beta 2; plus strand). Cytogenetic location: 10p12.31.
Variant type: single nucleotide variant.
Coding change: c.1017C>A on transcript NM_201596.3 (MANE Select); coding-DNA position 1017, C replaced by A.
Protein change: p.His339Gln; replaces histidine 339 with glutamine.
Molecular consequence: missense variant.
Genome position (GRCh38, 1-based): chr10:18,527,660, C>A. VCF-style: chr10-18527660-C-A. GRCh37 (hg19) VCF-style: chr10-18816589-C-A.
Other names: c.852C>A, p.His284Gln (NM_000724.4); c.819C>A, p.His273Gln (NM_001167945.2); c.738C>A, p.His246Gln (NM_001330060.2); c.873C>A, p.His291Gln (NM_201570.3); c.933C>A, p.His311Gln (NM_201571.4); c.861C>A, p.His287Gln (NM_201572.4); c.855C>A, p.His285Gln (NM_201590.3); c.903C>A, p.His301Gln (NM_201593.3); and 1 more; short protein forms H287Q, H246Q, H291Q, H311Q, H273Q, H315Q, H339Q, H284Q.
Identifiers: ClinVar variation 651565 (VCV000651565.8), dbSNP rs747015946, ClinGen allele CA376065309.

ClinVar aggregate classification (germline): Uncertain significance (1 of 4 stars; one submission).

Conditions:
Brugada syndrome 4 (BRGDA4). Identifiers: Orphanet 130, MedGen C2678477, MONDO:0012743, OMIM 611876.

Submission:

Labcorp Genetics (formerly Invitae), Labcorp
Classification: Uncertain significance for Brugada syndrome 4. Last evaluated: 2018-12-09. Review status: criteria provided, single submitter. Criteria: Invitae Variant Classification Sherloc (09022015). Collection method: clinical testing. Allele origin: germline.
Comment: In summary, the available evidence is currently insufficient to determine the role of this variant in disease. Therefore, it has been classified as a Variant of Uncertain Significance. Algorithms developed to predict the effect of missense changes on protein structure and function are either unavailable or do not agree on the potential impact of this missense change (SIFT: "Tolerated"; PolyPhen-2: "Possibly Damaging"; Align-GVGD: "Class C0"). This variant has not been reported in the literature in individuals with CACNB2-related disease. This variant is not present in population databases (ExAC no frequency). This sequence change replaces histidine with glutamine at codon 285 of the CACNB2 protein (p.His285Gln). The histidine residue is highly conserved and there is a small physicochemical difference between histidine and glutamine.